The following is an entry in ClinVar:

ClinVar aggregate classification (germline): Uncertain significance. Review status: criteria provided, multiple submitters, no conflicts (2 of 4 stars). 2 submissions from 2 submitters: Uncertain significance (2). Last evaluated 2024-02-21.

Conditions:
Inborn genetic diseases. Identifiers: MedGen C0950123, MeSH D030342.
Primary ciliary dyskinesia 32. Also called: CILIARY DYSKINESIA, PRIMARY, 32, WITHOUT SITUS INVERSUS. Identifiers: Orphanet 244, MedGen C4225311, MONDO:0014657, OMIM 616481.

Allele frequency attached by ClinVar (database versions not stated): gnomAD exomes below 0.00001 and 0.00001; ExAC 0.00001; gnomAD 0.00001; TOPMed 0.00001; ESP Exome Variant Server 0.00008.

Submissions (2):

Ambry Genetics
Classification: Uncertain significance for Inborn genetic diseases. Last evaluated: 2024-02-21. Review status: criteria provided, single submitter. Criteria: Ambry Variant Classification Scheme 2023. Collection method: clinical testing. Allele origin: germline.

Labcorp Genetics (formerly Invitae), Labcorp
Classification: Uncertain significance for Primary ciliary dyskinesia 32. Last evaluated: 2021-09-01. Review status: criteria provided, single submitter. Criteria: Invitae Variant Classification Sherloc (09022015). Collection method: clinical testing. Allele origin: germline.
Comment: This sequence change replaces leucine with phenylalanine at codon 211 of the RSPH3 protein (p.Leu211Phe). The leucine residue is weakly conserved and there is a small physicochemical difference between leucine and phenylalanine. This variant is present in population databases (rs372887350, ExAC 0.002%). This variant has not been reported in the literature in individuals affected with RSPH3-related conditions. Algorithms developed to predict the effect of missense changes on protein structure and function (SIFT, PolyPhen-2, Align-GVGD) all suggest that this variant is likely to be tolerated. In summary, the available evidence is currently insufficient to determine the role of this variant in disease. Therefore, it has been classified as a Variant of Uncertain Significance.

NM_031924.8(RSPH3):c.205C>T (p.Leu69Phe)

Gene: RSPH3 (radial spoke head 3; minus strand). Cytogenetic location: 6q25.3.
Variant type: single nucleotide variant.
Coding change: c.205C>T on transcript NM_031924.8 (MANE Select); coding-DNA position 205, C replaced by T.
Protein change: p.Leu69Phe; replaces leucine 69 with phenylalanine.
Molecular consequence: missense variant. On other transcripts: non-coding transcript variant (1), intron variant (1).
Genome position (GRCh38, 1-based): chr6:158,986,421, G>A on the plus strand (C>T on the coding strand, the complement: RSPH3 is on the minus strand). VCF-style: chr6-158986421-G-A. GRCh37 (hg19) VCF-style: chr6-159407453-G-A.
Other names: c.631-3733C>T (NM_001346418.1); short protein forms L69F.
Identifiers: ClinVar variation 542471 (VCV000542471.6), dbSNP rs372887350, ClinGen allele CA4075952.